The following is an entry in ClinVar:

ClinVar aggregate classification (germline): Likely benign (1 of 4 stars; one submission).

Submission:

GeneDx
Classification: Likely benign. Last evaluated: 2023-04-17. Review status: criteria provided, single submitter. Criteria: GeneDx Variant Classification Process June 2021. Collection method: clinical testing. Allele origin: germline. Affected: yes.
Comment: See Variant Classification Assertion Criteria.

NM_006231.4(POLE):c.3060+5_3060+6delinsTTA

Gene: POLE (DNA polymerase epsilon, catalytic subunit; minus strand). Cytogenetic location: 12q24.33.
Variant type: Indel.
Coding change: c.3060+5_3060+6delinsTTA on transcript NM_006231.4 (MANE Select); bases 5 to 6 of the intron after coding-DNA position 3060, AG replaced by TTA.
Molecular consequence: intron variant.
Genome position (GRCh38, 1-based): chr12:132,660,963-132,660,964, CT replaced by TAA on the plus strand (AG replaced by TTA on the coding strand, the reverse complement: POLE is on the minus strand). VCF-style: chr12-132660963-CT-TAA. GRCh37 (hg19) VCF-style: chr12-133237549-CT-TAA.
Identifiers: ClinVar variation 513183 (VCV000513183.2), dbSNP rs1555225934, ClinGen allele CA658797984.